The following is an entry in ClinVar:

NM_021167.5(GATAD1):c.524A>G (p.Gln175Arg)

Gene: GATAD1 (GATA zinc finger domain containing 1; plus strand). Cytogenetic location: 7q21.2.
Variant type: single nucleotide variant.
Coding change: c.524A>G on transcript NM_021167.5 (MANE Select); coding-DNA position 524, A replaced by G.
Protein change: p.Gln175Arg; replaces glutamine 175 with arginine.
Molecular consequence: missense variant. On other transcripts: non-coding transcript variant (1).
Genome position (GRCh38, 1-based): chr7:92,454,590, A>G. VCF-style: chr7-92454590-A-G. GRCh37 (hg19) VCF-style: chr7-92083904-A-G.
Other names: short protein forms Q175R.
Identifiers: ClinVar variation 1345396 (VCV001345396.10), dbSNP rs145592666, ClinGen allele CA4340315.

ClinVar aggregate classification (germline): Uncertain significance. Review status: criteria provided, multiple submitters, no conflicts (2 of 4 stars). 2 submissions from 2 submitters: Uncertain significance (2). Last evaluated 2024-05-19.

Conditions:
Dilated cardiomyopathy 2B. Identifiers: Orphanet 154, MedGen C3553409, MONDO:0013848, OMIM 614672.
Cardiovascular phenotype. Identifiers: MedGen CN230736.

Allele frequency attached by ClinVar (database versions not stated): TOPMed 0.00001; gnomAD 0.00002; gnomAD exomes 0.00003 and 0.00006; ExAC 0.00005; 1000 Genomes Project 30x 0.00031; 1000 Genomes Project 0.00040.
gnomAD v4.1: 91 of 1,613,190 alleles (0.0056%); highest among the groups gnomAD compares: East Asian, 0.2%; no homozygotes.

Submissions (2):

Labcorp Genetics (formerly Invitae), Labcorp
Classification: Uncertain significance for Dilated cardiomyopathy 2B. Last evaluated: 2024-05-19. Review status: criteria provided, single submitter. Criteria: Invitae Variant Classification Sherloc (09022015). Collection method: clinical testing. Allele origin: germline.
Comment: This sequence change replaces glutamine, which is neutral and polar, with arginine, which is basic and polar, at codon 175 of the GATAD1 protein (p.Gln175Arg). This variant is present in population databases (rs145592666, gnomAD 0.05%). This variant has not been reported in the literature in individuals affected with GATAD1-related conditions. ClinVar contains an entry for this variant (Variation ID: 1345396). Advanced modeling of protein sequence and biophysical properties (such as structural, functional, and spatial information, amino acid conservation, physicochemical variation, residue mobility, and thermodynamic stability) performed at Invitae indicates that this missense variant is not expected to disrupt GATAD1 protein function with a negative predictive value of 80%. In summary, the available evidence is currently insufficient to determine the role of this variant in disease. Therefore, it has been classified as a Variant of Uncertain Significance.

Ambry Genetics
Classification: Uncertain significance for Cardiovascular phenotype. Last evaluated: 2023-12-21. Review status: criteria provided, single submitter. Criteria: Ambry Variant Classification Scheme 2023. Collection method: clinical testing. Allele origin: germline.
Comment: The p.Q175R variant (also known as c.524A>G), located in coding exon 4 of the GATAD1 gene, results from an A to G substitution at nucleotide position 524. The glutamine at codon 175 is replaced by arginine, an amino acid with highly similar properties. This amino acid position is highly conserved in available vertebrate species. In addition, this alteration is predicted to be deleterious by in silico analysis. The evidence for this gene-disease relationship is limited; therefore, the clinical significance of this alteration is unclear.